The following is an entry in ClinVar:

ClinVar aggregate classification (germline): Uncertain significance (1 of 4 stars; one submission).

Conditions:
Joubert syndrome. Also called: JOUBERT-BOLTSHAUSER SYNDROME; Familial aplasia of the vermis. Identifiers: Orphanet 475, MedGen C5979921, MONDO:0018772.
Meckel-Gruber syndrome. Also called: DYSENCEPHALIA SPLANCHNOCYSTICA; GRUBER SYNDROME; Dysencephalia splachnocystica. Identifiers: Orphanet 564, MedGen C0265215, MONDO:0018921.

Submission:

Labcorp Genetics (formerly Invitae), Labcorp
Classification: Uncertain significance for Joubert syndrome; Meckel-Gruber syndrome. Last evaluated: 2022-09-03. Review status: criteria provided, single submitter. Criteria: Invitae Variant Classification Sherloc (09022015). Collection method: clinical testing. Allele origin: germline.
Comment: In summary, the available evidence is currently insufficient to determine the role of this variant in disease. Therefore, it has been classified as a Variant of Uncertain Significance. Algorithms developed to predict the effect of sequence changes on RNA splicing suggest that this variant may disrupt the consensus splice site. This variant has not been reported in the literature in individuals affected with CC2D2A-related conditions. This variant is not present in population databases (gnomAD no frequency). This sequence change falls in intron 7 of the CC2D2A gene. It does not directly change the encoded amino acid sequence of the CC2D2A protein.

NM_001378615.1(CC2D2A):c.439-5_492dup

Genes: CC2D2A (coiled-coil and C2 domain containing 2A; plus strand), FBXL5 (F-box and leucine rich repeat protein 5; minus strand). Cytogenetic location: 4p15.32.
Variant type: Duplication.
Coding change: c.439-5_492dup on transcript NM_001378615.1 (MANE Select); 5 bases into the intron before coding-DNA position 439 through coding-DNA position 492, 59 bases duplicated.
Molecular consequence: splice acceptor variant.
Genome position (GRCh38, 1-based): chr4:15,510,134-15,510,192, 59 bases duplicated. GRCh37 (hg19): chr4:15,511,757-15,511,815.
Other names: c.439-5_492dup (NM_001080522.2); c.292-5_345dup (NM_001378617.1).
Identifiers: ClinVar variation 2028727 (VCV002028727.4), dbSNP rs2474908935, ClinGen allele CA2580070854.